The following is an entry in ClinVar:

NM_014423.4(AFF4):c.1000A>G (p.Ile334Val)

Gene: AFF4 (ALF transcription elongation factor 4; minus strand). Cytogenetic location: 5q31.1.
Variant type: single nucleotide variant.
Coding change: c.1000A>G on transcript NM_014423.4 (MANE Select); coding-DNA position 1000, A replaced by G.
Protein change: p.Ile334Val; replaces isoleucine 334 with valine.
Molecular consequence: missense variant.
Genome position (GRCh38, 1-based): chr5:132,927,171, T>C on the plus strand (A>G on the coding strand, the complement: AFF4 is on the minus strand). VCF-style: chr5-132927171-T-C. GRCh37 (hg19) VCF-style: chr5-132262863-T-C.
Other names: short protein forms I334V.
Identifiers: ClinVar variation 2788673 (VCV002788673.3), dbSNP rs1761191852, ClinGen allele CA360952883.

ClinVar aggregate classification (germline): Uncertain significance (1 of 4 stars; one submission).

Conditions:
Cognitive impairment - coarse facies - heart defects - obesity - pulmonary involvement - short stature - skeletal dysplasia syndrome. Also called: Chops syndrome; AFF4-Related CHOPS Syndrome; COGNITIVE IMPAIRMENT, COARSE FACIES, HEART DEFECTS, OBESITY, PULMONARY INVOLVEMENT, SHORT STATURE, AND SKELETAL DYSPLASIA. Identifiers: Orphanet 444077, MedGen C4085597, MONDO:0014609, OMIM 616368.

Allele frequency attached by ClinVar (database versions not stated): TOPMed below 0.00001.

Submission:

Labcorp Genetics (formerly Invitae), Labcorp
Classification: Uncertain significance for Cognitive impairment - coarse facies - heart defects - obesity - pulmonary involvement - short stature - skeletal dysplasia syndrome. Last evaluated: 2023-03-08. Review status: criteria provided, single submitter. Criteria: Invitae Variant Classification Sherloc (09022015). Collection method: clinical testing. Allele origin: germline.
Comment: In summary, the available evidence is currently insufficient to determine the role of this variant in disease. Therefore, it has been classified as a Variant of Uncertain Significance. This sequence change replaces isoleucine, which is neutral and non-polar, with valine, which is neutral and non-polar, at codon 334 of the AFF4 protein (p.Ile334Val). This variant is not present in population databases (gnomAD no frequency). This variant has not been reported in the literature in individuals affected with AFF4-related conditions. Advanced modeling of protein sequence and biophysical properties (such as structural, functional, and spatial information, amino acid conservation, physicochemical variation, residue mobility, and thermodynamic stability) has been performed at Invitae for this missense variant, however the output from this modeling did not meet the statistical confidence thresholds required to predict the impact of this variant on AFF4 protein function.